The following is an entry in ClinVar:

ClinVar aggregate classification (germline): Uncertain significance. Review status: criteria provided, multiple submitters, no conflicts (2 of 4 stars). 3 submissions from 3 submitters: Uncertain significance (3). Last evaluated 2025-07-01.

Conditions:
Cardiovascular phenotype. Identifiers: MedGen CN230736.

Allele frequency attached by ClinVar (database versions not stated): gnomAD 0.00001; gnomAD exomes 0.00001; TOPMed 0.00003; ExAC 0.00005.
gnomAD v4.1: 9 of 1,550,190 alleles (0.00058%); highest among the groups gnomAD compares: African/African-American, 0.0027%; no homozygotes.

Submissions (3):

CeGaT Center for Human Genetics Tuebingen
Classification: Uncertain significance. Last evaluated: 2025-07-01. Review status: criteria provided, single submitter. Criteria: CeGaT Center For Human Genetics Tuebingen Variant Classification Criteria Version 2. Collection method: clinical testing. Allele origin: germline. Affected: yes. Observed: 1 variant allele.
Comment: ZNF469: PM2, BP4

Ambry Genetics
Classification: Uncertain significance for Cardiovascular phenotype. Last evaluated: 2024-03-19. Review status: criteria provided, single submitter. Criteria: Ambry Variant Classification Scheme 2023. Collection method: clinical testing. Allele origin: germline.
Comment: The p.S1491L variant (also known as c.4472C>T), located in coding exon 2 of the ZNF469 gene, results from a C to T substitution at nucleotide position 4472. The serine at codon 1491 is replaced by leucine, an amino acid with dissimilar properties. This amino acid position is conserved. In addition, this alteration is predicted to be tolerated by in silico analysis. Since supporting evidence is limited at this time, the clinical significance of this alteration remains unclear.

Eurofins Ntd Llc (ga)
Classification: Uncertain significance. Last evaluated: 2016-08-19. Review status: criteria provided, single submitter. Criteria: EGL Classification Definitions 2015. Collection method: clinical testing. Allele origin: germline. Observed: 1 variant allele, 1 heterozygote.

NM_001367624.2(ZNF469):c.4556C>T (p.Ser1519Leu)

Gene: ZNF469 (zinc finger protein 469; plus strand). Cytogenetic location: 16q24.2.
Variant type: single nucleotide variant.
Coding change: c.4556C>T on transcript NM_001367624.2 (MANE Select); coding-DNA position 4556, C replaced by T.
Protein change: p.Ser1519Leu; replaces serine 1519 with leucine.
Molecular consequence: missense variant.
Genome position (GRCh38, 1-based): chr16:88,432,026, C>T. VCF-style: chr16-88432026-C-T. GRCh37 (hg19) VCF-style: chr16-88498434-C-T.
Other names: NM_001127464.1:c.4472C>T; short protein forms S1519L.
Identifiers: ClinVar variation 288957 (VCV000288957.15), dbSNP rs767278971, ClinGen allele CA8224974.